The following is an entry in ClinVar:

ClinVar aggregate classification (germline): Uncertain significance. Review status: criteria provided, multiple submitters, no conflicts (2 of 4 stars). 2 submissions from 2 submitters: Uncertain significance (2). Last evaluated 2026-08-01.

Conditions:
Neuropathy, hereditary sensory, type 1F. Also called: Hereditary sensory neuropathy type IF; HSN IF. Identifiers: Orphanet 36386, MedGen C3810194, MONDO:0014286, OMIM 615632.

Allele frequency attached by ClinVar (database versions not stated): gnomAD exomes below 0.00001 and 0.00001; gnomAD 0.00001.
gnomAD v4.1: 12 of 1,613,926 alleles (0.00074%); highest among the groups gnomAD compares: East Asian, 0.0067%; no homozygotes.

Submissions (2):

CeGaT Center for Human Genetics Tuebingen
Classification: Uncertain significance. Last evaluated: 2026-08-01. Review status: criteria provided, single submitter. Criteria: CeGaT Center For Human Genetics Tuebingen Variant Classification Criteria Version 2. Collection method: clinical testing. Allele origin: germline. Affected: yes. Observed: 1 variant allele.
Comment: ATL3: PM2

Labcorp Genetics (formerly Invitae), Labcorp
Classification: Uncertain significance for Neuropathy, hereditary sensory, type 1F. Last evaluated: 2022-07-12. Review status: criteria provided, single submitter. Criteria: Invitae Variant Classification Sherloc (09022015). Collection method: clinical testing. Allele origin: germline.
Comment: In summary, the available evidence is currently insufficient to determine the role of this variant in disease. Therefore, it has been classified as a Variant of Uncertain Significance. Algorithms developed to predict the effect of missense changes on protein structure and function (SIFT, PolyPhen-2, Align-GVGD) all suggest that this variant is likely to be disruptive. ClinVar contains an entry for this variant (Variation ID: 574712). This variant has not been reported in the literature in individuals affected with ATL3-related conditions. This variant is present in population databases (no rsID available, gnomAD 0.01%). This sequence change replaces arginine, which is basic and polar, with glutamine, which is neutral and polar, at codon 319 of the ATL3 protein (p.Arg319Gln).

NM_015459.5(ATL3):c.956G>A (p.Arg319Gln)

Genes: ATL3 (atlastin GTPase 3; minus strand), LNCROPM (lncRNA regulator of PLAAT3 mediated phospholipid metabolism; plus strand). Cytogenetic location: 11q13.1.
Variant type: single nucleotide variant.
Coding change: c.956G>A on transcript NM_015459.5 (MANE Select); coding-DNA position 956, G replaced by A.
Protein change: p.Arg319Gln; replaces arginine 319 with glutamine.
Molecular consequence: missense variant.
Genome position (GRCh38, 1-based): chr11:63,636,229, C>T on the plus strand (G>A on the coding strand, the complement: ATL3 is on the minus strand). VCF-style: chr11-63636229-C-T. GRCh37 (hg19) VCF-style: chr11-63403701-C-T.
Other names: c.902G>A, p.Arg301Gln (NM_001290048.2); short protein forms R301Q, R319Q.
Identifiers: ClinVar variation 574712 (VCV000574712.9), dbSNP rs1302436422, ClinGen allele CA381026496.